The following is an entry in ClinVar:

NM_000553.6(WRN):c.2653A>G (p.Asn885Asp)

Gene: WRN (WRN RecQ like helicase; plus strand). Cytogenetic location: 8p12.
Variant type: single nucleotide variant.
Coding change: c.2653A>G on transcript NM_000553.6 (MANE Select); coding-DNA position 2653, A replaced by G.
Protein change: p.Asn885Asp; replaces asparagine 885 with aspartic acid.
Molecular consequence: missense variant.
Genome position (GRCh38, 1-based): chr8:31,124,544, A>G. VCF-style: chr8-31124544-A-G. GRCh37 (hg19) VCF-style: chr8-30982060-A-G.
Other names: short protein forms N885D.
Identifiers: ClinVar variation 2835112 (VCV002835112.3), dbSNP rs2535994780, ClinGen allele CA370916710.

ClinVar aggregate classification (germline): Uncertain significance (1 of 4 stars; one submission).

Conditions:
Werner syndrome (WRN). Identifiers: Orphanet 902, MedGen C0043119, MONDO:0010196, OMIM 277700.

Submission:

Labcorp Genetics (formerly Invitae), Labcorp
Classification: Uncertain significance for Werner syndrome. Last evaluated: 2023-02-07. Review status: criteria provided, single submitter. Criteria: Invitae Variant Classification Sherloc (09022015). Collection method: clinical testing. Allele origin: germline.
Comment: In summary, the available evidence is currently insufficient to determine the role of this variant in disease. Therefore, it has been classified as a Variant of Uncertain Significance. This sequence change replaces asparagine, which is neutral and polar, with aspartic acid, which is acidic and polar, at codon 885 of the WRN protein (p.Asn885Asp). This variant is not present in population databases (gnomAD no frequency). This variant has not been reported in the literature in individuals affected with WRN-related conditions. Algorithms developed to predict the effect of missense changes on protein structure and function output the following: SIFT: "Not Available"; PolyPhen-2: "Benign"; Align-GVGD: "Not Available". The aspartic acid amino acid residue is found in multiple mammalian species, which suggests that this missense change does not adversely affect protein function. Algorithms developed to predict the effect of sequence changes on RNA splicing suggest that this variant may create or strengthen a splice site.